The following is an entry in ClinVar:

NM_001378778.1(MPDZ):c.6082G>A (p.Asp2028Asn)

Gene: MPDZ (multiple PDZ domain crumbs cell polarity complex component; minus strand). Cytogenetic location: 9p23.
Variant type: single nucleotide variant.
Coding change: c.6082G>A on transcript NM_001378778.1 (MANE Select); coding-DNA position 6082, G replaced by A.
Protein change: p.Asp2028Asn; replaces aspartic acid 2028 with asparagine.
Molecular consequence: missense variant.
Genome position (GRCh38, 1-based): chr9:13,107,096, C>T on the plus strand (G>A on the coding strand, the complement: MPDZ is on the minus strand). VCF-style: chr9-13107096-C-T. GRCh37 (hg19) VCF-style: chr9-13107095-C-T.
Other names: c.5983G>A, p.Asp1995Asn (NM_001261406.2, NM_001375416.1, NM_001375417.1 and 1 more transcripts); c.5896G>A, p.Asp1966Asn (NM_001261407.2, NM_001375419.1); c.6082G>A, p.Asp2028Asn (NM_001330637.2); c.6181G>A, p.Asp2061Asn (NM_001375413.1); c.5872G>A, p.Asp1958Asn (NM_001375420.1, NM_001375421.1, NM_001375422.1 and 2 more transcripts); c.5785G>A, p.Asp1929Asn (NM_001375425.1, NM_001375426.1); c.5674G>A, p.Asp1892Asn (NM_001375427.1); c.5995G>A, p.Asp1999Asn (NM_003829.5); short protein forms D1995N, D1929N, D1892N, D2028N, D2061N, D1958N, D1966N, D1999N.
Identifiers: ClinVar variation 1383195 (VCV001383195.8), dbSNP rs1019373900, ClinGen allele CA372938543.

ClinVar aggregate classification (germline): Uncertain significance (1 of 4 stars; one submission).

Submission:

Labcorp Genetics (formerly Invitae), Labcorp
Classification: Uncertain significance. Last evaluated: 2022-03-10. Review status: criteria provided, single submitter. Criteria: Invitae Variant Classification Sherloc (09022015). Collection method: clinical testing. Allele origin: germline.
Comment: This variant has not been reported in the literature in individuals affected with MPDZ-related conditions. This variant is not present in population databases (gnomAD no frequency). This sequence change replaces aspartic acid, which is acidic and polar, with asparagine, which is neutral and polar, at codon 1999 of the MPDZ protein (p.Asp1999Asn). Algorithms developed to predict the effect of missense changes on protein structure and function are either unavailable or do not agree on the potential impact of this missense change (SIFT: "Deleterious"; PolyPhen-2: "Probably Damaging"; Align-GVGD: "Class C0"). In summary, the available evidence is currently insufficient to determine the role of this variant in disease. Therefore, it has been classified as a Variant of Uncertain Significance.